The following is an entry in ClinVar:

NM_007194.4(CHEK2):c.359_373del (p.Ser120_Phe125delinsIle)

Gene: CHEK2 (checkpoint kinase 2; minus strand). Cytogenetic location: 22q12.1.
Variant type: Deletion.
Coding change: c.359_373del on transcript NM_007194.4 (MANE Select); coding-DNA positions 359 to 373, 15 bases deleted (GCTGTGAATATTGCT).
Protein change: p.Ser120_Phe125delinsIle.
Molecular consequence: inframe indel.
Genome position (GRCh38, 1-based): chr22:28,725,314-28,725,328, AGCAATATTCACAGC deleted on the plus strand (GCTGTGAATATTGCT on the coding strand, the reverse complement: CHEK2 is on the minus strand). VCF-style (leftmost placement, unchanged base first): chr22-28725313-AAGCAATATTCACAGC-A. GRCh37 (hg19) VCF-style: chr22-29121301-AAGCAATATTCACAGC-A.
Other names: c.488_502delGCTGTGAATATTGCT, p.Ser163_Phe168delinsIle (NM_001005735.3); c.-419_-405delGCTGTGAATATTGCT (NM_001257387.3); c.359_373delGCTGTGAATATTGCT, p.Ser120_Phe125delinsIle (NM_001349956.3, NM_145862.3).
Identifiers: ClinVar variation 2024249 (VCV002024249.4), dbSNP rs2518060008, ClinGen allele CA2580099522.
Genomic context (GRCh38, chr22:28,725,313, plus strand): 5'-CGAAAGTGTTTCTTGCTGTATGTTCGGTATTTATCTGTTCTTTTCAGCAGTGGTTCATCA[AAGCAATATTCACAGC>A]TTTTGTCCCTCCCAAACCAGTAGTTGTCATTCACACATTCTGTAATATAAAAGCATGCAT-3'

ClinVar aggregate classification (germline): Uncertain significance (1 of 4 stars; one submission).

Conditions:
Familial cancer of breast. Also called: hereditary breast carcinoma; BREAST CANCER, FAMILIAL; Hereditary breast cancer. Identifiers: Orphanet 227535, MedGen C0346153, MONDO:0016419, OMIM 114480. Disease mechanism: loss of function.

Submission:

Labcorp Genetics (formerly Invitae), Labcorp
Classification: Uncertain significance for Familial cancer of breast. Last evaluated: 2022-08-16. Review status: criteria provided, single submitter. Criteria: Invitae Variant Classification Sherloc (09022015). Collection method: clinical testing. Allele origin: germline.
Comment: This variant, c.359_373del, is a complex sequence change that results in the deletion of 6 and insertion of 1 amino acid(s) in the CHEK2 protein (p.Ser120_Phe125delinsIle). This variant is not present in population databases (gnomAD no frequency). This variant has not been reported in the literature in individuals affected with CHEK2-related conditions. Experimental studies and prediction algorithms are not available or were not evaluated, and the functional significance of this variant is currently unknown. This variant disrupts the forkhead associated domain of the CHEK2 protein, which is essential for protein function (PMID: 30264118, 31843900, 29785007). While functional studies have not been performed to directly test the effect of this variant on CHEK2 protein function, this suggests that disruption of this region of the protein is causative of disease. In summary, the available evidence is currently insufficient to determine the role of this variant in disease. Therefore, it has been classified as a Variant of Uncertain Significance.

Literature cited by the submitters: PubMed 30264118; PubMed 31843900; PubMed 29785007.